The following is an entry in ClinVar:

NM_000834.5(GRIN2B):c.2099C>G (p.Ala700Gly)

Gene: GRIN2B (glutamate ionotropic receptor NMDA type subunit 2B; minus strand). Cytogenetic location: 12p13.1.
Variant type: single nucleotide variant.
Coding change: c.2099C>G on transcript NM_000834.5 (MANE Select); coding-DNA position 2099, C replaced by G.
Protein change: p.Ala700Gly; replaces alanine 700 with glycine.
Molecular consequence: missense variant.
Genome position (GRCh38, 1-based): chr12:13,571,876, G>C on the plus strand (C>G on the coding strand, the complement: GRIN2B is on the minus strand). VCF-style: chr12-13571876-G-C. GRCh37 (hg19) VCF-style: chr12-13724810-G-C.
Other names: short protein forms A700G.
Identifiers: ClinVar variation 568730 (VCV000568730.11), dbSNP rs1191539298, ClinGen allele CA383999256.
Genomic context (GRCh38, chr12:13,571,876, plus strand): 5'-GAGAGCAATGCATCATCTACACCCCTCTGGTTGAACTTTCCCATGTAGGCATGCATTTCT[G>C]CATAGTTATTGCGAATATTTCTCTCTGTGCTGCCGTTGGGCACGGTCCCAAAGCGGAAAG-3'
Protein context (NP_000825.2, residues 690-710): STERNIRNNY[Ala700Gly]EMHAYMGKFN

ClinVar aggregate classification (germline): Uncertain significance. Review status: criteria provided, multiple submitters, no conflicts (2 of 4 stars). 2 submissions from 2 submitters: Uncertain significance (2). Last evaluated 2024-10-17.

Conditions:
Intellectual developmental disorder, autosomal dominant 6, with or without seizures. Also called: Intellectual disability, autosomal dominant 6; GRIN2B-related developmental delay, intellectual disability and autism spectrum disorder. Identifiers: Orphanet 589547, MedGen C3151411, MONDO:0013509, OMIM 613970.
Developmental and epileptic encephalopathy, 27 (DEE27). Also called: Epileptic encephalopathy, early infantile, 27; GRIN2B-Related Neurodevelopmental Disorder. Identifiers: Orphanet 3451, MedGen C4015316, MONDO:0014505, OMIM 616139.

Allele frequency attached by ClinVar (database versions not stated): gnomAD exomes below 0.00001 and 0.00002.
gnomAD v4.1: 23 of 1,614,038 alleles (0.0014%); highest among the groups gnomAD compares: Non-Finnish European, 0.0019%; no homozygotes.

Submissions (2):

Labcorp Genetics (formerly Invitae), Labcorp
Classification: Uncertain significance for Developmental and epileptic encephalopathy, 27; Intellectual developmental disorder, autosomal dominant 6, with or without seizures. Last evaluated: 2024-10-17. Review status: criteria provided, single submitter. Criteria: Invitae Variant Classification Sherloc (09022015). Collection method: clinical testing. Allele origin: germline.
Comment: This sequence change replaces alanine, which is neutral and non-polar, with glycine, which is neutral and non-polar, at codon 700 of the GRIN2B protein (p.Ala700Gly). This variant is present in population databases (no rsID available, gnomAD 0.0009%). This variant has not been reported in the literature in individuals affected with GRIN2B-related conditions. ClinVar contains an entry for this variant (Variation ID: 568730). Invitae Evidence Modeling of protein sequence and biophysical properties (such as structural, functional, and spatial information, amino acid conservation, physicochemical variation, residue mobility, and thermodynamic stability) indicates that this missense variant is not expected to disrupt GRIN2B protein function with a negative predictive value of 95%. In summary, the available evidence is currently insufficient to determine the role of this variant in disease. Therefore, it has been classified as a Variant of Uncertain Significance.

Blueprint Genetics
Classification: Uncertain significance. Last evaluated: 2020-08-28. Review status: criteria provided, single submitter. Criteria: ACMG Guidelines, 2015. Collection method: clinical testing. Allele origin: germline.